The following is an entry in ClinVar:

ClinVar aggregate classification (germline): Uncertain significance. Review status: criteria provided, multiple submitters, no conflicts (2 of 4 stars). 3 submissions from 3 submitters: Uncertain significance (3). Last evaluated 2024-11-08.

Conditions:
Inborn genetic diseases. Identifiers: MedGen C0950123, MeSH D030342.
Schimke immuno-osseous dysplasia (SIOD). Also called: Schimke Immunoosseous Dysplasia. Identifiers: Orphanet 1830, MedGen C0877024, MONDO:0009458, OMIM 242900.

gnomAD v4.1: 2 of 1,614,200 alleles (0.00012%); highest among the groups gnomAD compares: Admixed American, 0.0017%; no homozygotes.

Submissions (3):

Ambry Genetics
Classification: Uncertain significance for Inborn genetic diseases. Last evaluated: 2024-11-08. Review status: criteria provided, single submitter. Criteria: Ambry Variant Classification Scheme 2023. Collection method: clinical testing. Allele origin: germline.

Fulgent Genetics
Classification: Uncertain significance for Schimke immuno-osseous dysplasia. Last evaluated: 2022-02-09. Review status: criteria provided, single submitter. Criteria: ACMG Guidelines, 2015. Collection method: clinical testing. Allele origin: unknown.

Labcorp Genetics (formerly Invitae), Labcorp
Classification: Uncertain significance for Schimke immuno-osseous dysplasia. Last evaluated: 2021-12-13. Review status: criteria provided, single submitter. Criteria: Invitae Variant Classification Sherloc (09022015). Collection method: clinical testing. Allele origin: germline.
Comment: This sequence change replaces arginine, which is basic and polar, with serine, which is neutral and polar, at codon 672 of the SMARCAL1 protein (p.Arg672Ser). This variant is present in population databases (no rsID available, gnomAD 0.003%). This variant has not been reported in the literature in individuals affected with SMARCAL1-related conditions. Algorithms developed to predict the effect of missense changes on protein structure and function output the following: SIFT: "Deleterious"; PolyPhen-2: "Benign"; Align-GVGD: "Class C15". The serine amino acid residue is found in multiple mammalian species, which suggests that this missense change does not adversely affect protein function. In summary, the available evidence is currently insufficient to determine the role of this variant in disease. Therefore, it has been classified as a Variant of Uncertain Significance.

NM_014140.4(SMARCAL1):c.2016G>C (p.Arg672Ser)

Gene: SMARCAL1 (SNF2 related chromatin remodeling annealing helicase 1; plus strand). Cytogenetic location: 2q35.
Variant type: single nucleotide variant.
Coding change: c.2016G>C on transcript NM_014140.4 (MANE Select); coding-DNA position 2016, G replaced by C.
Protein change: p.Arg672Ser; replaces arginine 672 with serine.
Molecular consequence: missense variant.
Genome position (GRCh38, 1-based): chr2:216,451,010, G>C. VCF-style: chr2-216451010-G-C. GRCh37 (hg19) VCF-style: chr2-217315733-G-C.
Other names: c.2016G>C, p.Arg672Ser (NM_001127207.2); c.2016G>C (NM_014140.3); short protein forms R672S.
Identifiers: ClinVar variation 1394297 (VCV001394297.5), dbSNP rs1303862591, ClinGen allele CA350502227.